The following is an entry in ClinVar:

ClinVar aggregate classification (germline): Likely pathogenic (1 of 4 stars; one submission).

Conditions:
Hypophosphatasia. Also called: Phosphoethanol-aminuria. Identifiers: Orphanet 436, MedGen C0020630, MeSH D007014, MONDO:0018570.

Submission:

Genomenon, Inc
Classification: Likely pathogenic for Hypophosphatasia. Last evaluated: 2025-08-29. Review status: criteria provided, single submitter. Criteria: Genomenon Sequence Variant Interpretation Standards. Collection method: curation. Allele origin: germline. Affected: yes.
Comment: ALPL c.1052A>G is a missense variant that changes the amino acid at residue 351 from Glutamic acid to Glycine. This variant has been observed in at least one proband affected with hypophosphatasia (PMID:36820543). It has been observed in trans with a pathogenic variant (PMID:36820543). It is absent or not present at a significant frequency in gnomAD. In silico models agree that this variant is possibly or probably damaging. In conclusion, we classify ALPL p.Glu351Gly (c.1052A>G) as a likely pathogenic variant.

Literature cited by the submitters: PubMed 36820543.

NM_000478.6(ALPL):c.1052A>G (p.Glu351Gly)

Gene: ALPL (alkaline phosphatase, biomineralization associated; plus strand). Cytogenetic location: 1p36.12.
Variant type: single nucleotide variant.
Coding change: c.1052A>G on transcript NM_000478.6 (MANE Select); coding-DNA position 1052, A replaced by G.
Protein change: p.Glu351Gly; replaces glutamic acid 351 with glycine.
Molecular consequence: missense variant.
Genome position (GRCh38, 1-based): chr1:21,575,787, A>G. VCF-style: chr1-21575787-A-G. GRCh37 (hg19) VCF-style: chr1-21902280-A-G.
Other names: c.887A>G, p.Glu296Gly (NM_001127501.4); c.821A>G, p.Glu274Gly (NM_001177520.3); c.1052A>G, p.Glu351Gly (NM_001369803.2, NM_001369804.2, NM_001369805.2); short protein forms E274G, E296G, E351G.
Identifiers: ClinVar variation 4086863 (VCV004086863.1).